The following is an entry in ClinVar:

ClinVar aggregate classification (germline): Conflicting classifications of pathogenicity. Review status: criteria provided, conflicting classifications (1 of 4 stars). 3 submissions from 3 submitters: Uncertain significance (2); Likely benign (1). Last evaluated 2026-03-13.

Allele frequency attached by ClinVar (database versions not stated): gnomAD exomes 0.00001 and 0.00004; TOPMed 0.00001; ExAC 0.00007.
gnomAD v4.1: 10 of 1,613,734 alleles (0.00062%); highest among the groups gnomAD compares: Admixed American, 0.013%; no homozygotes.

Submissions (3):

Women's Health and Genetics/Laboratory Corporation of America, LabCorp
Classification: Uncertain significance. Last evaluated: 2026-03-13. Review status: criteria provided, single submitter. Criteria: LabCorp Variant Classification Summary - May 2015. Collection method: clinical testing. Allele origin: germline.

ARUP Laboratories, Molecular Genetics and Genomics, ARUP Laboratories
Classification: Uncertain significance. Last evaluated: 2024-09-12. Review status: criteria provided, single submitter. Criteria: ARUP Molecular Germline Variant Investigation Process 2024. Collection method: clinical testing. Allele origin: germline.
Comment: The TTN c.82648G>A; p.Ala27550Thr variant (rs778350547; ClinVar Variation ID: 1207734) is rare in the general population (<0.2% allele frequency in the Genome Aggregation Database) and has not been reported in the medical literature in association with dilated cardiomyopathy (DCM) or other TTN-related disease. The clinical relevance of rare missense variants in this gene, which are identified on average once per individual sequenced in affected populations (Herman 2012), is not well understood. Yet, evidence suggests that the vast majority of such missense variants do not contribute to the clinical outcome of DCM (Begay 2015). Thus, the clinical significance of the p.Ala27550Thr variant cannot be determined with certainty. References: Begay RL et al. Role of Titin Missense Variants in Dilated Cardiomyopathy. J Am Heart Assoc. 2015 Nov 13;4(11). PMID: 26567375. Herman DS et al. Truncations of titin causing dilated cardiomyopathy. N Engl J Med. 2012 Feb 16;366(7):619-28. PMID: 22335739. Linke WA and Hamdani N. Gigantic business: titin properties and function through thick and thin. Circ Res 2014; 114(6): 1052-1068. PMID: 24625729.

GeneDx
Classification: Likely benign. Last evaluated: 2018-10-15. Review status: criteria provided, single submitter. Criteria: GeneDx Variant Classification Process June 2021. Collection method: clinical testing. Allele origin: germline. Affected: yes.

NM_001267550.2(TTN):c.82648G>A (p.Ala27550Thr)

Genes: TTN (titin; minus strand), TTN-AS1 (TTN antisense RNA 1; plus strand). Cytogenetic location: 2q31.2.
Variant type: single nucleotide variant.
Coding change: c.82648G>A on transcript NM_001267550.2 (MANE Select); coding-DNA position 82648, G replaced by A.
Protein change: p.Ala27550Thr; replaces alanine 27550 with threonine.
Molecular consequence: missense variant.
Genome position (GRCh38, 1-based): chr2:178,563,484, C>T on the plus strand (G>A on the coding strand, the complement: TTN is on the minus strand). VCF-style: chr2-178563484-C-T. GRCh37 (hg19) VCF-style: chr2-179428211-C-T.
Other names: c.77725G>A, p.Ala25909Thr (NM_001256850.1); c.55453G>A, p.Ala18485Thr (NM_003319.4); c.74944G>A, p.Ala24982Thr (NM_133378.4); c.55828G>A, p.Ala18610Thr (NM_133432.3); c.56029G>A, p.Ala18677Thr (NM_133437.4); short protein forms A18485T, A18610T, A18677T, A24982T, A25909T, A27550T.
Identifiers: ClinVar variation 1207734 (VCV001207734.5), dbSNP rs778350547, ClinGen allele CA1989033.